The following is an entry in ClinVar:

ClinVar aggregate classification (germline): Uncertain significance (1 of 4 stars; one submission).

Conditions:
Primary ciliary dyskinesia. Also called: Ciliary dyskinesia. Identifiers: Orphanet 244, MedGen C0008780, MONDO:0016575, HP:0012265.

Allele frequency attached by ClinVar (database versions not stated): gnomAD exomes 0.00001 and below 0.00001; TOPMed below 0.00001.
gnomAD v4.1: 2 of 1,614,164 alleles (0.00012%); highest among the groups gnomAD compares: Admixed American, 0.0033%; no homozygotes.

Submission:

Labcorp Genetics (formerly Invitae), Labcorp
Classification: Uncertain significance for Primary ciliary dyskinesia. Last evaluated: 2023-12-11. Review status: criteria provided, single submitter. Criteria: Invitae Variant Classification Sherloc (09022015). Collection method: clinical testing. Allele origin: germline.
Comment: This sequence change replaces serine, which is neutral and polar, with alanine, which is neutral and non-polar, at codon 462 of the DNAI1 protein (p.Ser462Ala). This variant is present in population databases (no rsID available, gnomAD 0.003%). This variant has not been reported in the literature in individuals affected with DNAI1-related conditions. ClinVar contains an entry for this variant (Variation ID: 1035852). Advanced modeling of protein sequence and biophysical properties (such as structural, functional, and spatial information, amino acid conservation, physicochemical variation, residue mobility, and thermodynamic stability) has been performed at Invitae for this missense variant, however the output from this modeling did not meet the statistical confidence thresholds required to predict the impact of this variant on DNAI1 protein function. In summary, the available evidence is currently insufficient to determine the role of this variant in disease. Therefore, it has been classified as a Variant of Uncertain Significance.

NM_012144.4(DNAI1):c.1384T>G (p.Ser462Ala)

Gene: DNAI1 (dynein axonemal intermediate chain 1; plus strand). Cytogenetic location: 9p13.3.
Variant type: single nucleotide variant.
Coding change: c.1384T>G on transcript NM_012144.4 (MANE Select); coding-DNA position 1384, T replaced by G.
Protein change: p.Ser462Ala; replaces serine 462 with alanine.
Molecular consequence: missense variant.
Genome position (GRCh38, 1-based): chr9:34,512,181, T>G. VCF-style: chr9-34512181-T-G. GRCh37 (hg19) VCF-style: chr9-34512179-T-G.
Other names: c.1396T>G, p.Ser466Ala (NM_001281428.2); short protein forms S466A, S462A.
Identifiers: ClinVar variation 1035852 (VCV001035852.5), dbSNP rs1437841728, ClinGen allele CA373260419.